The following is an entry in ClinVar:

ClinVar aggregate classification (germline): Likely benign (1 of 4 stars; one submission).

Conditions:
TRIM63-related disorder. Also called: TRIM63-related condition.

gnomAD v4.1: 31 of 1,614,002 alleles (0.0019%); highest among the groups gnomAD compares: African/African-American, 0.04%; no homozygotes.

Submission:

PreventionGenetics, part of Exact Sciences
Classification: Likely benign for TRIM63-related condition. Last evaluated: 2026-06-07. Review status: criteria provided, single submitter. Criteria: ACMG Guidelines, 2015. Collection method: clinical testing. Allele origin: germline.
Comment: This variant is classified as likely benign based on ACMG/AMP sequence variant interpretation guidelines (Richards et al. 2015 PMID: 25741868, with internal and published modifications).

NM_032588.4(TRIM63):c.822C>T (p.Thr274=)

Gene: TRIM63 (tripartite motif containing 63; minus strand). Cytogenetic location: 1p36.11.
Variant type: single nucleotide variant.
Coding change: c.822C>T on transcript NM_032588.4 (MANE Select); coding-DNA position 822, C replaced by T.
Protein change: p.Thr274=; no amino-acid change (threonine 274 retained).
Molecular consequence: synonymous variant.
Genome position (GRCh38, 1-based): chr1:26,058,399, G>A on the plus strand (C>T on the coding strand, the complement: TRIM63 is on the minus strand). VCF-style: chr1-26058399-G-A. GRCh37 (hg19) VCF-style: chr1-26384890-G-A.
Identifiers: ClinVar variation 4980877 (VCV004980877.1).
Genomic context (GRCh38, chr1:26,058,399, plus strand): 5'-AGAGCTGTAGAGTTGAACTGACCCCACCCAGACCCTTCTAGTCCTGCTCACCAAGAGGAA[G>A]GTGGCTCCCCCAGGCTCGTCCAGGGACTGGATGGCAGTTTCCACCAGCTTTGTGGACTTG-3'
Protein context (NP_115977.2, residues 264-284): IQSLDEPGGA[Thr274=]FLLTAKQLIK